The following is an entry in ClinVar:

NM_004183.4(BEST1):c.287_298del (p.Gln96_Asn99del)

Gene: BEST1 (bestrophin 1; plus strand). Cytogenetic location: 11q12.3.
Variant type: Deletion.
Coding change: c.287_298del on transcript NM_004183.4 (MANE Select); coding-DNA positions 287 to 298, 12 bases deleted (AGTACGAGAACC).
Protein change: p.Gln96_Asn99del.
Molecular consequence: inframe deletion. On other transcripts: inframe indel (2), non-coding transcript variant (1).
Genome position (GRCh38, 1-based): chr11:61,955,757-61,955,768, AGTACGAGAACC deleted; deleting any 12 consecutive bases within chr11:61,955,752-61,955,768 gives the same sequence; the c. name uses the placement nearest the transcript's 3' end. VCF-style (leftmost placement, unchanged base first): chr11-61955751-GGAACCAGTACGA-G. GRCh37 (hg19) VCF-style: chr11-61723223-GGAACCAGTACGA-G.
Other names: c.107_118delAGTACGAGAACC, p.Gln36_Asn39del (NM_001139443.3); c.107_118del, p.Gln36_Asn39del (NM_001300786.2, NM_001300787.2); c.-32_-21delAGTACGAGAACC (NM_001363591.3); c.287_298delAGTACGAGAACC, p.Gln96_Asn99del (NM_001363592.2); c.-889_-878delAGTACGAGAACC (NM_001363593.3).
Identifiers: ClinVar variation 438185 (VCV000438185.10), dbSNP rs1555099048, ClinGen allele CA645509455.

ClinVar aggregate classification (germline): Pathogenic/Likely pathogenic. Review status: criteria provided, multiple submitters, no conflicts (2 of 4 stars). 6 submissions from 6 submitters: Pathogenic (1); Likely pathogenic (4). 1 of the submissions does not count toward it. Last evaluated 2024-10-01.

Conditions:
Vitelliform macular dystrophy 2. Also called: Best Macular Dystrophy; Best Vitelliform Macular Dystrophy (BVMD); MACULAR DEGENERATION, POLYMORPHIC VITELLINE; VITELLIFORM MACULAR DYSTROPHY, EARLY-ONSET; VITELLIFORM MACULAR DYSTROPHY, JUVENILE-ONSET; Best vitelliform macular dystrophy, multifocal. Identifiers: Orphanet 1243, MedGen C2745945, MONDO:0007931, OMIM 153700.
BEST1-related disorder. Also called: BEST1-related condition; BEST1-related disorders. Identifiers: MedGen CN239200.
Retinal dystrophy. Also called: Inherited retinal dystrophy. Identifiers: Orphanet 71862, MedGen C0854723, MeSH D058499, MONDO:0019118, HP:0000556.
Retinitis pigmentosa (RP). Identifiers: Orphanet 791, MedGen C0035334, MeSH D012174, MONDO:0019200, OMIM 268000. Inheritance: Autosomal dominant, autosomal recessive and X linked inheritance.

Submissions (6):

Lab De Baere, Eye and Developmental Genetics Lab, Ghent University
Classification: Likely pathogenic for Vitelliform macular dystrophy 2. Last evaluated: 2024-10-01. Review status: criteria provided, single submitter. Criteria: ACMG Guidelines, 2015. Collection method: research. Allele origin: inherited. Affected: yes. Observed: 1 variant allele.
Comment: ACMG/AMP guidelines: PM2, PM4, PM3_2

Labcorp Genetics (formerly Invitae), Labcorp
Classification: Likely pathogenic. Last evaluated: 2023-07-14. Review status: criteria provided, single submitter. Criteria: Invitae Variant Classification Sherloc (09022015). Collection method: clinical testing. Allele origin: germline.
Comment: This variant, c.287_298del, results in the deletion of 4 amino acid(s) of the BEST1 protein (p.Gln96_Asn99del), but otherwise preserves the integrity of the reading frame. In summary, the currently available evidence indicates that the variant is pathogenic, but additional data are needed to prove that conclusively. Therefore, this variant has been classified as Likely Pathogenic. Algorithms developed to predict the effect of sequence changes on RNA splicing suggest that this variant may disrupt the consensus splice site. ClinVar contains an entry for this variant (Variation ID: 438185). This variant is also known as c.107_118delAGTACGAGAACC (p.Gln36_Asn39del). This variant has been observed in individuals with autosomal recessive bestrophinopathy (PMID: 33039401, 33302512, 34012682). This variant is not present in population databases (gnomAD no frequency).

Blueprint Genetics
Classification: Pathogenic for BEST1-related disorders. Last evaluated: 2022-03-23. Review status: criteria provided, single submitter. Criteria: ACMG Guidelines, 2015. Collection method: clinical testing. Allele origin: germline. Affected: yes. Observed: 1 variant allele.

Institute of Medical Genetics and Applied Genomics, University Hospital Tübingen
Classification: Likely pathogenic. Last evaluated: 2020-10-23. Review status: criteria provided, single submitter. Criteria: ACMG Guidelines, 2015. Collection method: clinical testing. Allele origin: germline. Inheritance: Autosomal recessive inheritance. Affected: yes.

Institute of Human Genetics, Univ. Regensburg, Univ. Regensburg
Classification: Likely pathogenic for Retinal dystrophy. Last evaluated: 2020-01-01. Review status: criteria provided, single submitter. Criteria: ACMG Guidelines, 2015. Collection method: clinical testing. Allele origin: germline. Affected: yes.

NIHR Bioresource Rare Diseases, University of Cambridge
Classification: Likely pathogenic for Retinitis pigmentosa. Last evaluated: 2015-01-01. Review status: no assertion criteria provided. Collection method: research. Allele origin: unknown. Affected: yes. Observed: 1 variant allele. Not counted in ClinVar's aggregate classification.

Literature cited by the submitters: PubMed 33039401 (cited by Labcorp Genetics (formerly Invitae), Labcorp and Institute of Human Genetics, Univ. Regensburg, Univ. Regensburg); PubMed 33302512 (cited by Labcorp Genetics (formerly Invitae), Labcorp and Institute of Human Genetics, Univ. Regensburg, Univ. Regensburg); PubMed 34012682 (cited by Labcorp Genetics (formerly Invitae), Labcorp and Institute of Human Genetics, Univ. Regensburg, Univ. Regensburg); PubMed 32581362 (cited by Institute of Human Genetics, Univ. Regensburg, Univ. Regensburg); PubMed 28041643 (cited by NIHR Bioresource Rare Diseases, University of Cambridge).